The following is an entry in ClinVar:

NC_000011.9:g.(?_76893618)_(76900789_?)del

Gene: MYO7A (myosin VIIA; plus strand). Cytogenetic location: 11q13.5.
Variant type: Deletion.
Identifiers: ClinVar variation 3244722 (VCV003244722.1).

ClinVar aggregate classification (germline): Pathogenic (1 of 4 stars; one submission).

Submission:

Labcorp Genetics (formerly Invitae), Labcorp
Classification: Pathogenic. Last evaluated: 2023-07-26. Review status: criteria provided, single submitter. Criteria: Invitae Variant Classification Sherloc (09022015). Collection method: clinical testing. Allele origin: unknown.
Comment: For these reasons, this variant has been classified as Pathogenic. This variant disrupts a region of the MYO7A protein in which other variant(s) (p.Leu1154Pro) have been determined to be pathogenic (PMID: 25468891). This suggests that this is a clinically significant region of the protein, and that variants that disrupt it are likely to be disease-causing. This variant has not been reported in the literature in individuals affected with MYO7A-related conditions. This variant results in the deletion of exons 26-28 and part of exon 25 (c.3258_3630+274del) of the MYO7A gene. It is expected to disrupt RNA splicing. Variants that disrupt the donor or acceptor splice site typically lead to a loss of protein function (PMID: 16199547), and loss-of-function variants in MYO7A are known to be pathogenic (PMID: 8900236, 25404053).

Literature cited by the submitters: PubMed 25468891; PubMed 16199547; PubMed 8900236; PubMed 25404053.